The following is an entry in ClinVar:

NM_022041.4(GAN):c.670T>G (p.Ser224Ala)

Gene: GAN (gigaxonin; plus strand). Cytogenetic location: 16q23.2.
Variant type: single nucleotide variant.
Coding change: c.670T>G on transcript NM_022041.4 (MANE Select); coding-DNA position 670, T replaced by G.
Protein change: p.Ser224Ala; replaces serine 224 with alanine.
Molecular consequence: missense variant.
Genome position (GRCh38, 1-based): chr16:81,356,821, T>G. VCF-style: chr16-81356821-T-G. GRCh37 (hg19) VCF-style: chr16-81390426-T-G.
Other names: c.31T>G, p.Ser11Ala (NM_001377486.1); short protein forms S224A, S11A.
Identifiers: ClinVar variation 642674 (VCV000642674.11), dbSNP rs139055455, ClinGen allele CA8191447.
Genomic context (GRCh38, chr16:81,356,821, plus strand): 5'-CCATCTTTCTTCCCTCTTCTGCAGGTCCACATGAAGGATGTTATGTCAGCTCTGTGGGTT[T>G]CAGGGTTGGACTCCAGTTATTTACGGGAACAGATGCTGAATGAACCATTAGTACGAGAAA-3'
Protein context (NP_071324.1, residues 214-234): MKDVMSALWV[Ser224Ala]GLDSSYLREQ

ClinVar aggregate classification (germline): Uncertain significance. Review status: criteria provided, multiple submitters, no conflicts (2 of 4 stars). 3 submissions from 3 submitters: Uncertain significance (3). Last evaluated 2025-12-01.

Conditions:
Giant axonal neuropathy 1 (GAN1). Also called: GIANT AXONAL NEUROPATHY 1, AUTOSOMAL RECESSIVE; GAN-Related Neurodegeneration. Identifiers: Orphanet 643, MedGen C1850386, MONDO:0009749, OMIM 256850.

Allele frequency attached by ClinVar (database versions not stated): gnomAD exomes 0.00002 and 0.00008; ExAC 0.00003; ESP Exome Variant Server 0.00008; gnomAD 0.00015 and 0.00016; TOPMed 0.00022.
gnomAD v4.1: 60 of 1,613,768 alleles (0.0037%); highest among the groups gnomAD compares: African/African-American, 0.051%; no homozygotes.

Submissions (3):

Women's Health and Genetics/Laboratory Corporation of America, LabCorp
Classification: Uncertain significance. Last evaluated: 2025-12-01. Review status: criteria provided, single submitter. Criteria: LabCorp Variant Classification Summary - May 2015. Collection method: clinical testing. Allele origin: germline.
Comment: Variant summary: GAN c.670T>G (p.Ser224Ala) results in a conservative amino acid change in the encoded protein sequence. Algorithms developed to predict the effect of missense changes on protein structure and function are either unavailable or do not agree on the potential impact of this missense change. The variant allele was found at a frequency of 8.4e-05 in 251488 control chromosomes. This frequency is not significantly higher than estimated for disease-causing variants in GAN, allowing no conclusion about variant significance. To our knowledge, no occurrence of c.670T>G in individuals affected with GAN-related conditions and no experimental evidence demonstrating its impact on protein function have been reported. ClinVar contains an entry for this variant (Variation ID: 642674). Based on the evidence outlined above, the variant was classified as uncertain significance.

GeneDx
Classification: Uncertain significance. Last evaluated: 2025-04-10. Review status: criteria provided, single submitter. Criteria: GeneDx Variant Classification Process June 2021. Collection method: clinical testing. Allele origin: germline. Affected: yes.
Comment: Missense variants in this gene are a common cause of disease and they are underrepresented in the general population; In silico analysis supports that this missense variant has a deleterious effect on protein structure/function; Has not been previously published as pathogenic or benign to our knowledge

Labcorp Genetics (formerly Invitae), Labcorp
Classification: Uncertain significance for Giant axonal neuropathy 1. Last evaluated: 2022-08-09. Review status: criteria provided, single submitter. Criteria: Invitae Variant Classification Sherloc (09022015). Collection method: clinical testing. Allele origin: germline.
Comment: This sequence change replaces serine, which is neutral and polar, with alanine, which is neutral and non-polar, at codon 224 of the GAN protein (p.Ser224Ala). This variant is present in population databases (rs139055455, gnomAD 0.06%). This variant has not been reported in the literature in individuals affected with GAN-related conditions. ClinVar contains an entry for this variant (Variation ID: 642674). Algorithms developed to predict the effect of missense changes on protein structure and function (SIFT, PolyPhen-2, Align-GVGD) all suggest that this variant is likely to be tolerated. In summary, the available evidence is currently insufficient to determine the role of this variant in disease. Therefore, it has been classified as a Variant of Uncertain Significance.